The following is an entry in ClinVar:

NM_014918.5(CHSY1):c.576G>C (p.Glu192Asp)

Gene: CHSY1 (chondroitin sulfate synthase 1; minus strand). Cytogenetic location: 15q26.3.
Variant type: single nucleotide variant.
Coding change: c.576G>C on transcript NM_014918.5 (MANE Select); coding-DNA position 576, G replaced by C.
Protein change: p.Glu192Asp; replaces glutamic acid 192 with aspartic acid.
Molecular consequence: missense variant.
Genome position (GRCh38, 1-based): chr15:101,235,322, C>G on the plus strand (G>C on the coding strand, the complement: CHSY1 is on the minus strand). VCF-style: chr15-101235322-C-G. GRCh37 (hg19) VCF-style: chr15-101775527-C-G.
Other names: c.576G>C (NM_014918.4); short protein forms E192D.
Identifiers: ClinVar variation 2706147 (VCV002706147.4), dbSNP rs148344653, ClinGen allele CA7762694.

ClinVar aggregate classification (germline): Uncertain significance. Review status: criteria provided, multiple submitters, no conflicts (2 of 4 stars). 2 submissions from 2 submitters: Uncertain significance (2). Last evaluated 2025-04-14.

Conditions:
Temtamy preaxial brachydactyly syndrome (TPBS). Identifiers: Orphanet 363417, MedGen C1854466, MONDO:0011533, OMIM 605282.
Inborn genetic diseases. Identifiers: MedGen C0950123, MeSH D030342.

gnomAD v4.1: 5 of 1,614,092 alleles (0.00031%); highest among the groups gnomAD compares: African/African-American, 0.0053%; no homozygotes.

Submissions (2):

Ambry Genetics
Classification: Uncertain significance for Inborn genetic diseases. Last evaluated: 2025-04-14. Review status: criteria provided, single submitter. Criteria: Ambry Variant Classification Scheme 2023. Collection method: clinical testing. Allele origin: germline.

Labcorp Genetics (formerly Invitae), Labcorp
Classification: Uncertain significance for Temtamy preaxial brachydactyly syndrome. Last evaluated: 2023-01-11. Review status: criteria provided, single submitter. Criteria: Invitae Variant Classification Sherloc (09022015). Collection method: clinical testing. Allele origin: germline.
Comment: In summary, the available evidence is currently insufficient to determine the role of this variant in disease. Therefore, it has been classified as a Variant of Uncertain Significance. Advanced modeling of protein sequence and biophysical properties (such as structural, functional, and spatial information, amino acid conservation, physicochemical variation, residue mobility, and thermodynamic stability) performed at Invitae indicates that this missense variant is not expected to disrupt CHSY1 protein function. This variant has not been reported in the literature in individuals affected with CHSY1-related conditions. This variant is present in population databases (rs148344653, gnomAD 0.02%). This sequence change replaces glutamic acid, which is acidic and polar, with aspartic acid, which is acidic and polar, at codon 192 of the CHSY1 protein (p.Glu192Asp).